The following is an entry in ClinVar:

ClinVar aggregate classification (germline): Pathogenic (1 of 4 stars; one submission).

Submission:

Labcorp Genetics (formerly Invitae), Labcorp
Classification: Pathogenic. Last evaluated: 2024-12-15. Review status: criteria provided, single submitter. Criteria: Invitae Variant Classification Sherloc (09022015). Collection method: clinical testing. Allele origin: germline.
Comment: This sequence change creates a premature translational stop signal (p.Val347*) in the FLNB gene. It is expected to result in an absent or disrupted protein product. Loss-of-function variants in FLNB are known to be pathogenic (PMID: 14991055). This variant is not present in population databases (gnomAD no frequency). This variant has not been reported in the literature in individuals affected with FLNB-related conditions. For these reasons, this variant has been classified as Pathogenic.

Literature cited by the submitters: PubMed 14991055.

NM_001457.4(FLNB):c.1039_1040del (p.Ser346_Val347insTer)

Gene: FLNB (filamin B; plus strand). Cytogenetic location: 3p14.3.
Variant type: Microsatellite.
Coding change: c.1039_1040del on transcript NM_001457.4 (MANE Select); coding-DNA positions 1039 to 1040, 2 bases deleted (GT; older notation c.1039_1040delGT).
Protein change: p.Ser346_Val347insTer.
Molecular consequence: nonsense.
Genome position (GRCh38, 1-based): chr3:58,097,869-58,097,870, GT deleted; deleting any 2 consecutive bases within chr3:58,097,867-58,097,870 gives the same sequence; the c. name uses the placement nearest the transcript's 3' end. VCF-style (leftmost placement, unchanged base first): chr3-58097866-AGT-A. GRCh37 (hg19) VCF-style: chr3-58083593-AGT-A.
Other names: c.1039_1040del, p.Ser346_Val347insTer (NM_001164317.2, NM_001164318.2, NM_001164319.2).
Identifiers: ClinVar variation 3727348 (VCV003727348.2).